The following is an entry in ClinVar:

ClinVar aggregate classification (germline): Uncertain significance (1 of 4 stars; one submission).

Submission:

Labcorp Genetics (formerly Invitae), Labcorp
Classification: Uncertain significance. Last evaluated: 2020-10-15. Review status: criteria provided, single submitter. Criteria: Invitae Variant Classification Sherloc (09022015). Collection method: clinical testing. Allele origin: germline.
Comment: This sequence change replaces alanine with serine at codon 1093 of the POLE protein (p.Ala1093Ser). The alanine residue is highly conserved and there is a moderate physicochemical difference between alanine and serine. In summary, the available evidence is currently insufficient to determine the role of this variant in disease. Therefore, it has been classified as a Variant of Uncertain Significance. Algorithms developed to predict the effect of sequence changes on RNA splicing suggest that this variant may create or strengthen a splice site, but this prediction has not been confirmed by published transcriptional studies. Algorithms developed to predict the effect of missense changes on protein structure and function (SIFT, PolyPhen-2, Align-GVGD) all suggest that this variant is likely to be disruptive, but these predictions have not been confirmed by published functional studies and their clinical significance is uncertain. This variant has not been reported in the literature in individuals with POLE-related conditions. This variant is not present in population databases (ExAC no frequency).

NM_006231.4(POLE):c.3277G>T (p.Ala1093Ser)

Gene: POLE (DNA polymerase epsilon, catalytic subunit; minus strand). Cytogenetic location: 12q24.33.
Variant type: single nucleotide variant.
Coding change: c.3277G>T on transcript NM_006231.4 (MANE Select); coding-DNA position 3277, G replaced by T.
Protein change: p.Ala1093Ser; replaces alanine 1093 with serine.
Molecular consequence: missense variant.
Genome position (GRCh38, 1-based): chr12:132,657,969, C>A on the plus strand (G>T on the coding strand, the complement: POLE is on the minus strand). VCF-style: chr12-132657969-C-A. GRCh37 (hg19) VCF-style: chr12-133234555-C-A.
Other names: short protein forms A1093S.
Identifiers: ClinVar variation 955496 (VCV000955496.9), dbSNP rs757323968, ClinGen allele CA387389902.